The following is an entry in ClinVar:

ClinVar aggregate classification (germline): Benign/Likely benign. Review status: criteria provided, multiple submitters, no conflicts (2 of 4 stars). 3 submissions from 3 submitters: Benign (2); Likely benign (1). Last evaluated 2026-02-01.

Conditions:
Hereditary spastic paraplegia 7 (SPG7). Also called: Spastic paraplegia 7; Hereditary spastic paraplegia Paraplegin type; Autosomal recessive spastic paraplegia type 7; SPASTIC PARAPLEGIA 7, AUTOSOMAL RECESSIVE, WITH OR WITHOUT CEREBELLAR ATAXIA; SPG7-related neurologic disorder. Identifiers: Orphanet 99013, MedGen C1846564, MONDO:0011803, OMIM 607259.

Submissions (6):

Labcorp Genetics (formerly Invitae), Labcorp
Classification: Benign for Hereditary spastic paraplegia 7. Last evaluated: 2026-02-01. Review status: criteria provided, single submitter. Criteria: Invitae Variant Classification Sherloc (09022015). Collection method: clinical testing. Allele origin: germline.

Blueprint Genetics
Classification: Likely benign. Last evaluated: 2024-10-30. Review status: criteria provided, single submitter. Criteria: ACMG Guidelines, 2015. Collection method: clinical testing. Allele origin: germline.

GeneDx
Classification: Benign. Last evaluated: 2014-11-18. Review status: criteria provided, single submitter. Criteria: GeneDx Variant Classification (06012015). Collection method: clinical testing. Allele origin: germline. Affected: yes.
Comment: The variant is found in MITONUC-MITOP panel(s).

Dr. Peter K. Rogan Lab, Western University
No classification provided (evidence only). Condition: Familial cancer of breast. Review status: no classification provided. Collection method: in vitro. Allele origin: not applicable. Functional consequence: retained intron. Not counted in ClinVar's aggregate classification.

Dr. Peter K. Rogan Lab, Western University
No classification provided (evidence only). Condition: Malignant lymphoma, large B-cell, diffuse. Review status: no classification provided. Collection method: in vitro. Allele origin: not applicable. Functional consequence: retained intron. Not counted in ClinVar's aggregate classification.

Dr. Peter K. Rogan Lab, Western University
No classification provided (evidence only). Condition: Nonpapillary renal cell carcinoma. Review status: no classification provided. Collection method: in vitro. Allele origin: not applicable. Functional consequence: skipped exon, retained intron. Not counted in ClinVar's aggregate classification.

NM_003119.4(SPG7):c.1780-16_1780-14del

Gene: SPG7 (SPG7 matrix AAA peptidase subunit, paraplegin; plus strand). Cytogenetic location: 16q24.3.
Variant type: Deletion.
Coding change: c.1780-16_1780-14del on transcript NM_003119.4 (MANE Select); 16 bases into the intron before coding-DNA position 1780 through 14 bases into the intron before coding-DNA position 1780, 3 bases deleted (CTT; older notation c.1780-16_1780-14delCTT).
Molecular consequence: intron variant.
Genome position (GRCh38, 1-based): chr16:89,552,963-89,552,965, CTT deleted; deleting any 3 consecutive bases within chr16:89,552,962-89,552,965 gives the same sequence; the c. name uses the placement nearest the transcript's 3' end. VCF-style (leftmost placement, unchanged base first): chr16-89552961-ATCT-A. GRCh37 (hg19) VCF-style: chr16-89619369-ATCT-A.
Other names: NC_000016.9:g.89619371_89619373del; c.1780-16_1780-14del (NM_001363850.1); c.1780-16_1780-14delCTT (NM_003119.2).
Identifiers: ClinVar variation 215192 (VCV000215192.14), dbSNP rs863224213, ClinGen allele CA320744.